The following is an entry in ClinVar:

NM_003872.3(NRP2):c.1565G>T (p.Arg522Leu)

Gene: NRP2 (neuropilin 2; plus strand). Cytogenetic location: 2q33.3.
Variant type: single nucleotide variant.
Coding change: c.1565G>T on transcript NM_003872.3 (MANE Select); coding-DNA position 1565, G replaced by T.
Protein change: p.Arg522Leu; replaces arginine 522 with leucine.
Molecular consequence: missense variant.
Genome position (GRCh38, 1-based): chr2:205,743,476, G>T. VCF-style: chr2-205743476-G-T. GRCh37 (hg19) VCF-style: chr2-206608200-G-T.
Other names: c.1565G>T, p.Arg522Leu (NM_018534.4, NM_201264.2, NM_201266.2 and 2 more transcripts); short protein forms R522L.
Identifiers: ClinVar variation 5000131 (VCV005000131.1).
Genomic context (GRCh38, chr2:205,743,476, plus strand): 5'-TCATCCAGGGAGCCCGCGGAGGAGACAGTATCACTGCTGTGGAAGCCAGAGCATTTGTGC[G>T]CAAGTTCAAAGTCTCCTACAGCCTAAACGGCAAGGACTGGGAATACATTCAGGACCCCAG-3'
Protein context (NP_003863.2, residues 512-532): ITAVEARAFV[Arg522Leu]KFKVSYSLNG

ClinVar aggregate classification (germline): Uncertain significance (1 of 4 stars; one submission).

Conditions:
NRP2-related disorder. Also called: NRP2-related condition.

Submission:

PreventionGenetics, part of Exact Sciences
Classification: Uncertain significance for NRP2-related condition. Last evaluated: 2025-09-19. Review status: criteria provided, single submitter. Criteria: ACMG Guidelines, 2015. Collection method: clinical testing. Allele origin: germline.
Comment: The NRP2 c.1565G>T variant is predicted to result in the amino acid substitution p.Arg522Leu. To our knowledge, this variant has not been reported in the literature or in a large population database (gnomAD), indicating this variant is rare. At this time, the clinical significance of this variant is uncertain due to the absence of conclusive functional and genetic evidence.